The following is an entry in ClinVar:

ClinVar aggregate classification (germline): Uncertain significance (1 of 4 stars; one submission).

Conditions:
Anterior segment dysgenesis. Also called: Ocular anterior segment dysgenesis. Identifiers: Orphanet 88632, MedGen C1862839, MONDO:0019503, HP:0007700.
Congenital primary aphakia. Also called: Anterior segment dysgenesis 2, multiple subtypes; ANTERIOR SEGMENT DYSGENESIS 2. Identifiers: Orphanet 83461, MedGen C1853230, MONDO:0012456, OMIM 610256.

Submission:

Labcorp Genetics (formerly Invitae), Labcorp
Classification: Uncertain significance for Anterior segment dysgenesis; Congenital primary aphakia. Last evaluated: 2025-02-18. Review status: criteria provided, single submitter. Criteria: Invitae Variant Classification Sherloc (09022015). Collection method: clinical testing. Allele origin: germline.
Comment: This sequence change replaces threonine, which is neutral and polar, with arginine, which is basic and polar, at codon 93 of the FOXE3 protein (p.Thr93Arg). This variant is not present in population databases (gnomAD no frequency). This variant has not been reported in the literature in individuals affected with FOXE3-related conditions. Invitae Evidence Modeling of protein sequence and biophysical properties (such as structural, functional, and spatial information, amino acid conservation, physicochemical variation, residue mobility, and thermodynamic stability) indicates that this missense variant is expected to disrupt FOXE3 protein function with a positive predictive value of 95%. In summary, the available evidence is currently insufficient to determine the role of this variant in disease. Therefore, it has been classified as a Variant of Uncertain Significance.

NM_012186.3(FOXE3):c.278C>G (p.Thr93Arg)

Genes: FOXE3 (forkhead box E3; plus strand), LINC01389 (long independently transcribed non-coding RNA 1389; minus strand). Cytogenetic location: 1p33.
Variant type: single nucleotide variant.
Coding change: c.278C>G on transcript NM_012186.3 (MANE Select); coding-DNA position 278, C replaced by G.
Protein change: p.Thr93Arg; replaces threonine 93 with arginine.
Molecular consequence: missense variant.
Genome position (GRCh38, 1-based): chr1:47,416,593, C>G. VCF-style: chr1-47416593-C-G. GRCh37 (hg19) VCF-style: chr1-47882265-C-G.
Other names: short protein forms T93R.
Identifiers: ClinVar variation 4788358 (VCV004788358.1).
Genomic context (GRCh38, chr1:47,416,593, plus strand): 5'-CCTACTCGTACATCGCGCTCATCGCCATGGCTCTGGCGCACGCCCCGGGCCGCCGCCTCA[C>G]GCTGGCCGCCATCTACCGCTTCATCACCGAACGCTTTGCCTTCTACCGCGACAGCCCGCG-3'
Protein context (NP_036318.1, residues 83-103): ALAHAPGRRL[Thr93Arg]LAAIYRFITE